The following is an entry in ClinVar:

NM_006946.4(SPTBN2):c.1073+112A>G

Gene: SPTBN2 (spectrin beta, non-erythrocytic 2; minus strand). Cytogenetic location: 11q13.2.
Variant type: single nucleotide variant.
Coding change: c.1073+112A>G on transcript NM_006946.4 (MANE Select); 112 bases into the intron after coding-DNA position 1073, A replaced by G.
Molecular consequence: intron variant.
Genome position (GRCh38, 1-based): chr11:66,710,470, T>C on the plus strand (A>G on the coding strand, the complement: SPTBN2 is on the minus strand). VCF-style: chr11-66710470-T-C. GRCh37 (hg19) VCF-style: chr11-66477941-T-C.
Identifiers: ClinVar variation 1683821 (VCV001683821.2), dbSNP rs114793940, ClinGen allele CA224092287.
Genomic context (GRCh38, chr11:66,710,470, plus strand): 5'-ATCATTAAAAAATTTTATTTTGTATCAACTATGTTGTTTGGATGCTTCTGGTGTGGGAAA[T>C]CTCCACTGCATTTATGTACTGCCAAATTTCCCTCCCTGAAGGCTGTGCTAATTTAGGCTT-3'

ClinVar aggregate classification (germline): Likely benign (1 of 4 stars; one submission).

Allele frequency attached by ClinVar (database versions not stated): gnomAD exomes 0.00109; TOPMed 0.01206; 1000 Genomes Project 0.01478; 1000 Genomes Project 30x 0.01562.
gnomAD v4.1: 2,722 of 1,061,318 alleles (0.26%); highest among the groups gnomAD compares: African/African-American, 3.7%; 62 homozygotes.

Submission:

GeneDx
Classification: Likely benign. Last evaluated: 2021-05-24. Review status: criteria provided, single submitter. Criteria: GeneDx Variant Classification Process June 2021. Collection method: clinical testing. Allele origin: germline. Affected: yes.
Comment: See Variant Classification Assertion Criteria.